The following is an entry in ClinVar:

NM_024753.5(TTC21B):c.2212-7A>G

Gene: TTC21B (tetratricopeptide repeat domain 21B; minus strand). Cytogenetic location: 2q24.3.
Variant type: single nucleotide variant.
Coding change: c.2212-7A>G on transcript NM_024753.5 (MANE Select); 7 bases into the intron before coding-DNA position 2212, A replaced by G.
Molecular consequence: intron variant.
Genome position (GRCh38, 1-based): chr2:165,912,631, T>C on the plus strand (A>G on the coding strand, the complement: TTC21B is on the minus strand). VCF-style: chr2-165912631-T-C. GRCh37 (hg19) VCF-style: chr2-166769141-T-C.
Identifiers: ClinVar variation 4993429 (VCV004993429.1).

ClinVar aggregate classification (germline): Uncertain significance (1 of 4 stars; one submission).

Conditions:
TTC21B-related disorder. Also called: TTC21B-related condition; TTC21B-related disorders.

gnomAD v4.1: 3 of 1,609,666 alleles (0.00019%); highest among the groups gnomAD compares: Non-Finnish European, 0.00026%; no homozygotes.

Submission:

PreventionGenetics, part of Exact Sciences
Classification: Uncertain significance for TTC21B-related condition. Last evaluated: 2026-09-02. Review status: criteria provided, single submitter. Criteria: ACMG Guidelines, 2015. Collection method: clinical testing. Allele origin: germline.
Comment: The TTC21B c.2212-7A>G variant is predicted to interfere with splicing. To our knowledge, this variant has not been reported in the literature or in a large population database (gnomAD), indicating this variant is rare. At this time, the clinical significance of this variant is uncertain due to the absence of conclusive functional and genetic evidence.